The following is an entry in ClinVar:

NM_000166.6(GJB1):c.-6G>A

Gene: GJB1 (gap junction protein beta 1; plus strand). Cytogenetic location: Xq13.1.
Variant type: single nucleotide variant.
Coding change: c.-6G>A on transcript NM_000166.6 (MANE Select); 6 bases upstream of the start codon, G replaced by A.
Molecular consequence: 5 prime UTR variant.
Genome position (GRCh38, 1-based): chrX:71,223,702, G>A. VCF-style: chrX-71223702-G-A. GRCh37 (hg19) VCF-style: chrX-70443552-G-A.
Other names: c.-6G>A (NM_001097642.3).
Identifiers: ClinVar variation 368624 (VCV000368624.35), dbSNP rs201344743, ClinGen allele CA10445272.

ClinVar aggregate classification (germline): Benign/Likely benign. Review status: criteria provided, multiple submitters, no conflicts (2 of 4 stars). 7 submissions from 7 submitters: Benign (2); Likely benign (5). Last evaluated 2025-05-22.

Conditions:
Charcot-Marie-Tooth disease X-linked dominant 1. Also called: X-linked Charcot-Marie-Tooth disease type 1; Charcot-Marie-Tooth Neuropathy X Type 1; GJB1 Disorders: Charcot-Marie-Tooth Neuropathy (CMT1X) and Central Nervous System Phenotypes; CHARCOT-MARIE-TOOTH NEUROPATHY, X-LINKED, 1; CHARCOT-MARIE-TOOTH PERONEAL MUSCULAR ATROPHY, X-LINKED; HEREDITARY MOTOR AND SENSORY NEUROPATHY, X-LINKED. Identifiers: Orphanet 101075, MedGen C0393808, MONDO:0010549, OMIM 302800.
GJB1-related disorder. Also called: GJB1-related disorders; GJB1-related condition.
Charcot-Marie-Tooth disease. Also called: Charcot-Marie-Tooth Neuropathy; Charcot-Marie-Tooth Hereditary Neuropathy. Identifiers: Orphanet 166, MedGen C0007959, MONDO:0015626.

Allele frequency attached by ClinVar (database versions not stated): ESP Exome Variant Server 0.00028; TOPMed 0.00039; gnomAD exomes 0.00041 and 0.00048; gnomAD 0.00043 and 0.00044; ExAC 0.00067; 1000 Genomes Project 30x 0.00021; 1000 Genomes Project 0.00026.
gnomAD v4.1: 508 of 1,208,773 alleles (0.042%); highest among the groups gnomAD compares: Non-Finnish European, 0.049%; 3 homozygotes.

Submissions (7):

PreventionGenetics, part of Exact Sciences
Classification: Likely benign for GJB1-related condition. Last evaluated: 2025-05-22. Review status: criteria provided, single submitter. Criteria: ACMG Guidelines, 2015. Collection method: clinical testing. Allele origin: germline.
Comment: This variant is classified as likely benign based on ACMG/AMP sequence variant interpretation guidelines (Richards et al. 2015 PMID: 25741868, with internal and published modifications).

Blueprint Genetics
Classification: Likely benign. Last evaluated: 2024-10-31. Review status: criteria provided, single submitter. Criteria: ACMG Guidelines, 2015. Collection method: clinical testing. Allele origin: germline.

CeGaT Center for Human Genetics Tuebingen
Classification: Likely benign. Last evaluated: 2024-05-01. Review status: criteria provided, single submitter. Criteria: CeGaT Center For Human Genetics Tuebingen Variant Classification Criteria Version 2. Collection method: clinical testing. Allele origin: germline. Affected: yes. Observed: 3 variant alleles.
Comment: GJB1: BP4, BS2

Athena Diagnostics
Classification: Likely benign. Last evaluated: 2023-11-21. Review status: criteria provided, single submitter. Criteria: Athena Diagnostics Criteria. Collection method: clinical testing. Allele origin: unknown.

GeneDx
Classification: Likely benign. Last evaluated: 2023-08-25. Review status: criteria provided, single submitter. Criteria: GeneDx Variant Classification Process June 2021. Collection method: clinical testing. Allele origin: germline. Affected: yes.
Comment: See Variant Classification Assertion Criteria.

Illumina Laboratory Services, Illumina
Classification: Benign for Charcot-Marie-Tooth disease X-linked dominant 1. Last evaluated: 2018-01-12. Review status: criteria provided, single submitter. Criteria: ICSL Variant Classification Criteria 13 December 2019. Collection method: clinical testing. Allele origin: germline.
Comment: This variant was observed in the ICSL laboratory as part of a predisposition screen in an ostensibly healthy population. It had not been previously curated by ICSL or reported in the Human Gene Mutation Database (HGMD: prior to June 1st, 2018), and was therefore a candidate for classification through an automated scoring system. Utilizing variant allele frequency, disease prevalence and penetrance estimates, and inheritance mode, an automated score was calculated to assess if this variant is too frequent to cause the disease. Based on the score and internal cut-off values, a variant classified as benign is not then subjected to further curation. The score for this variant resulted in a classification of benign for this disease.

Molecular Genetics Laboratory, London Health Sciences Centre
Classification: Benign for Charcot-Marie-Tooth disease. Review status: criteria provided, single submitter. Criteria: ACMG Guidelines, 2015. Collection method: clinical testing. Allele origin: germline. Affected: yes.

Literature cited by the submitters: PubMed 25025039 (cited by Athena Diagnostics).